The following is an entry in ClinVar:

ClinVar aggregate classification (germline): Uncertain significance. Review status: criteria provided, multiple submitters, no conflicts (2 of 4 stars). 2 submissions from 2 submitters: Uncertain significance (2). Last evaluated 2021-09-24.

Conditions:
Congenital hyperammonemia, type I. Also called: Carbamoyl phosphate synthetase I deficiency disease; Carbamoyl phosphate synthetase 1 deficiency; Hyperammonemia due to carbamoyl phosphate synthetase 1 deficiency; CPS 1 deficiency; Carbamyl phosphate synthetase (CPS) deficiency; Carbamoyl-phosphate synthase I deficiency. Identifiers: Orphanet 147, MedGen C4082171, MONDO:0009376, OMIM 237300.
Pulmonary hypertension, neonatal, susceptibility to (PHN). Identifiers: MedGen C3714958, MONDO:0014151, OMIM 615371.

gnomAD v4.1: 20 of 1,614,032 alleles (0.0012%); highest among the groups gnomAD compares: East Asian, 0.022%; 1 homozygote.

Submissions (2):

Labcorp Genetics (formerly Invitae), Labcorp
Classification: Uncertain significance for Congenital hyperammonemia, type I. Last evaluated: 2021-09-24. Review status: criteria provided, single submitter. Criteria: Invitae Variant Classification Sherloc (09022015). Collection method: clinical testing. Allele origin: germline.
Comment: This sequence change replaces aspartic acid with asparagine at codon 1084 of the CPS1 protein (p.Asp1084Asn). The aspartic acid residue is moderately conserved and there is a small physicochemical difference between aspartic acid and asparagine. This variant is present in population databases (rs777363145, ExAC 0.01%). This variant has not been reported in the literature in individuals with CPS1-related disease. Algorithms developed to predict the effect of missense changes on protein structure and function (SIFT, PolyPhen-2, Align-GVGD) all suggest that this variant is likely to be tolerated, but these predictions have not been confirmed by published functional studies and their clinical significance is uncertain. In summary, the available evidence is currently insufficient to determine the role of this variant in disease. Therefore, it has been classified as a Variant of Uncertain Significance.

Fulgent Genetics
Classification: Uncertain significance for Congenital hyperammonemia, type I; Pulmonary hypertension, neonatal, susceptibility to. Last evaluated: 2021-07-10. Review status: criteria provided, single submitter. Criteria: ACMG Guidelines, 2015. Collection method: clinical testing. Allele origin: unknown.

NM_001875.5(CPS1):c.3250G>A (p.Asp1084Asn)

Gene: CPS1 (carbamoyl-phosphate synthase 1; plus strand). Cytogenetic location: 2q34.
Variant type: single nucleotide variant.
Coding change: c.3250G>A on transcript NM_001875.5 (MANE Select); coding-DNA position 3250, G replaced by A.
Protein change: p.Asp1084Asn; replaces aspartic acid 1084 with asparagine.
Molecular consequence: missense variant. On other transcripts: non-coding transcript variant (2).
Genome position (GRCh38, 1-based): chr2:210,647,971, G>A. VCF-style: chr2-210647971-G-A. GRCh37 (hg19) VCF-style: chr2-211512695-G-A.
Other names: c.3250G>A, p.Asp1084Asn (NM_001122633.3, NM_001369257.1); c.3283G>A, p.Asp1095Asn (NM_001369256.1); short protein forms D1095N, D1084N.
Identifiers: ClinVar variation 1413631 (VCV001413631.6), dbSNP rs777363145, ClinGen allele CA2086873.
Genomic context (GRCh38, chr2:210,647,971, plus strand): 5'-CTGGCAGTTCCTCTATACAAGAATGGTGTCAAGATCATGGGCACAAGCCCCCTGCAGATC[G>A]ACAGGGCTGAGGATCGCTCCATCTTCTCAGCTGTCTTGGATGAGCTGAAGGTGGCTCAGG-3'
Protein context (NP_001866.2, residues 1074-1094): KIMGTSPLQI[Asp1084Asn]RAEDRSIFSA